The following is an entry in ClinVar:

ClinVar aggregate classification (germline): Pathogenic (1 of 4 stars; one submission).

Submission:

GeneDx
Classification: Pathogenic. Last evaluated: 2024-10-10. Review status: criteria provided, single submitter. Criteria: GeneDx Variant Classification Process June 2021. Collection method: clinical testing. Allele origin: germline. Affected: yes.
Comment: Canonical splice site variant predicted to result in an in-frame loss of the adjacent exon in a gene for which loss of function is a known mechanism of disease; Not observed at significant frequency in large population cohorts (gnomAD); Has not been previously published as pathogenic or benign to our knowledge

NM_177559.3(CSNK2A1):c.214-1G>A

Gene: CSNK2A1 (casein kinase 2 alpha 1; minus strand). Cytogenetic location: 20p13.
Variant type: single nucleotide variant.
Coding change: c.214-1G>A on transcript NM_177559.3 (MANE Select); the canonical splice acceptor site of the intron before coding-DNA position 214, G replaced by A.
Molecular consequence: splice acceptor variant.
Genome position (GRCh38, 1-based): chr20:499,935, C>T on the plus strand (G>A on the coding strand, the complement: CSNK2A1 is on the minus strand). VCF-style: chr20-499935-C-T. GRCh37 (hg19) VCF-style: chr20-480579-C-T.
Other names: c.-195-1G>A (NM_177560.3); c.214-1G>A (NM_001362771.2, NM_001895.4, NM_001362770.2).
Identifiers: ClinVar variation 3777315 (VCV003777315.1).
Genomic context (GRCh38, chr20:499,935, plus strand): 5'-ACCTCCTCTCAAATTCTCCAAAATCTTTATTTCACGCTTAATTTTCTTCTTTTTTACTGG[C>T]TGAAAGGGGAAAAGTACATCAGCAAAAAAAAAAAAAAAAAATTTTTTCAGAGTATTTCAA-3'